The following continues an entry in ClinVar:

NM_016042.4(EXOSC3):c.92G>C (p.Gly31Ala)

Gene: EXOSC3. ClinVar aggregate classification (germline): Pathogenic/Likely pathogenic. Pathogenic (19); Likely pathogenic (1).

Submissions 17 to 25 of 25:

Institute of Human Genetics Munich, TUM University Hospital
Classification: Pathogenic for Pontocerebellar hypoplasia type 1B. Last evaluated: 2017-11-28. Review status: criteria provided, single submitter. Criteria: Classification criteria August 2017. Collection method: clinical testing. Allele origin: germline. Inheritance: Autosomal recessive inheritance. Affected: yes. Observed: 1 homozygote.

Clinical Genetics and Genomics, Karolinska University Hospital
Classification: Pathogenic. Last evaluated: 2016-11-18. Review status: criteria provided, single submitter. Criteria: ACMG Guidelines, 2015. Collection method: clinical testing. Allele origin: germline. Affected: yes. Observed: 1 variant allele.

Genetic Services Laboratory, University of Chicago
Classification: Pathogenic for Pontocerebellar hypoplasia, type 1B. Last evaluated: 2014-08-11. Review status: criteria provided, single submitter. Criteria: ACMG Guidelines, 2015. Collection method: clinical testing. Allele origin: germline. Affected: yes.

Department Of Human Genetics, Institute Of Clinical And Translational Research, Biomedical Research Center, Slovak Academy Of Sciences
Classification: Pathogenic for Pontocerebellar hypoplasia type 1B. Review status: criteria provided, single submitter. Criteria: ACMG Guidelines, 2015. Collection method: research. Allele origin: germline. Inheritance: Autosomal recessive inheritance. Affected: yes. Observed: 3 variant alleles.
Comment: The p.(Gly31Ala) variant has a low general population frequency (G = 0.000020 in gnomAD) and it has not been found in the general Slovak population (PMID: 31054297). It is frequent in Czech Roma patients (the founder effect was suggested) and 4.4 % of unrelated Czech Roma control individuals were carriers (PMID: 23883322). Slovak patients show the same or highly similar haplotype, indicating a common origin (PMID: 35852507) (there has been a close connection between the Slovak and Czech populations). Interestingly, in the study PMID: 24524299 all patients who carried this variant were of Roma/Gypsy descent, although living in different countries (Sweden and Hungary) (a common founder?) (PMID: 23284067, PMID: 23883322). The variant is in the EXOSC3 N-terminal domain that is important for intersubunit interactions: residue Gly31 has been shown tightly packed against the surface of EXOSC5, indicating its importance for EXOSC3-EXOSC5 interactions (PMID: 29093021, PMID: 27777260). Patients homozygous for this variant manifest a severe disease course including death during infancy and hypoplasia of the pons (PMID: 24524299).

Solve-RD Consortium
Classification: Likely pathogenic for Pontocerebellar hypoplasia type 1B. Last evaluated: 2022-06-01. Review status: no assertion criteria provided. Collection method: provider interpretation. Allele origin: inherited. Affected: yes. Not counted in ClinVar's aggregate classification.
Comment: Variant confirmed as disease-causing by referring clinical team

Variant identified during reanalysis of unsolved cases by the Solve-RD project. The Solve-RD project has received funding from the European Union’s Horizon 2020 research and innovation programme under grant agreement No 779257.

Clinical Genetics Laboratory, University Hospital Schleswig-Holstein
Classification: Pathogenic for Pontocerebellar hypoplasia type 1B. Last evaluated: 2021-11-02. Review status: no assertion criteria provided. Collection method: clinical testing. Allele origin: germline. Affected: yes. Not counted in ClinVar's aggregate classification.

OMIM
Classification: Pathogenic for PONTOCEREBELLAR HYPOPLASIA, TYPE 1B. Last evaluated: 2013-12-01. Review status: no assertion criteria provided. Collection method: literature only. Allele origin: germline. Not counted in ClinVar's aggregate classification.

GeneReviews
No classification provided. Condition: Pontocerebellar hypoplasia type 1B. Review status: no classification provided. Collection method: literature only. Allele origin: germline. Affected: yes. Not counted in ClinVar's aggregate classification.

Genomics England Pilot Project, Genomics England
Classification: Likely pathogenic for Pontocerebellar hypoplasia type 1B. Review status: no assertion criteria provided. Criteria: ACGS Guidelines, 2016. Collection method: clinical testing. Allele origin: germline. Affected: yes. Not counted in ClinVar's aggregate classification.

Literature cited by the submitters: PubMed 22544365 (cited by 4 submitters); PubMed 30221345 (cited by Labcorp Genetics (formerly Invitae), Labcorp); PubMed 28053271 (cited by Labcorp Genetics (formerly Invitae), Labcorp); DOI 10.1186/s13073-024-01353-0 (cited by Muscle and Diseases Team, Institut de Génétique et Biologie Moléculaire et Cellulaire); PubMed 30025162 (cited by Muscle and Diseases Team, Institut de Génétique et Biologie Moléculaire et Cellulaire); PubMed 24524299 (cited by Department Of Human Genetics, Institute Of Clinical And Translational Research, Biomedical Research Center, Slovak Academy Of Sciences); PubMed 39825153 (cited by Solve-RD Consortium); PubMed 23883322 (cited by OMIM); NCBI Bookshelf NBK236968 (cited by GeneReviews).